The following is an entry in ClinVar:

ClinVar aggregate classification (germline): Likely benign. Review status: criteria provided, multiple submitters, no conflicts (2 of 4 stars). 2 submissions from 2 submitters: Likely benign (2). Last evaluated 2018-01-13.

Conditions:
Sulfite oxidase deficiency due to molybdenum cofactor deficiency type A. Also called: Molybdenum cofactor deficiency, complementation group A; Molybdenum Cofactor Deficiency A. Identifiers: Orphanet 308386, Orphanet 833, MedGen C1854988, MONDO:0009643, OMIM 252150.

Allele frequency attached by ClinVar (database versions not stated): gnomAD 0.00003 and 0.00004; gnomAD exomes 0.00026; 1000 Genomes Project 0.00280.
gnomAD v4.1: 107 of 533,666 alleles (0.02%); highest among the groups gnomAD compares: Middle Eastern, 0.052%; no homozygotes.

Submissions (2):

Illumina Laboratory Services, Illumina
Classification: Likely benign for Sulfite oxidase deficiency due to molybdenum cofactor deficiency type A. Last evaluated: 2018-01-13. Review status: criteria provided, single submitter. Criteria: ICSL Variant Classification Criteria 13 December 2019. Collection method: clinical testing. Allele origin: germline.
Comment: This variant was observed in the ICSL laboratory as part of a predisposition screen in an ostensibly healthy population. It had not been previously curated by ICSL or reported in the Human Gene Mutation Database (HGMD: prior to June 1st, 2018), and was therefore a candidate for classification through an automated scoring system. Utilizing variant allele frequency, disease prevalence and penetrance estimates, and inheritance mode, an automated score was calculated to assess if this variant is too frequent to cause the disease. Based on the score and internal cut-off values, a variant classified as likely benign is not then subjected to further curation. The score for this variant resulted in a classification of likely benign for this disease.

Breakthrough Genomics
Classification: Likely benign. Review status: criteria provided, single submitter. Criteria: ACMG Guidelines, 2015. Collection method: not provided. Allele origin: germline. Inheritance: Autosomal recessive inheritance. Affected: yes.

NM_001358530.2(MOCS1):c.*327G>A

Gene: MOCS1 (molybdenum cofactor synthesis 1; minus strand). Cytogenetic location: 6p21.2.
Variant type: single nucleotide variant.
Coding change: c.*327G>A on transcript NM_001358530.2 (MANE Select); 327 bases downstream of the stop codon, G replaced by A.
Molecular consequence: 3 prime UTR variant. On other transcripts: non-coding transcript variant (1).
Genome position (GRCh38, 1-based): chr6:39,906,030, C>T on the plus strand (G>A on the coding strand, the complement: MOCS1 is on the minus strand). VCF-style: chr6-39906030-C-T. GRCh37 (hg19) VCF-style: chr6-39873806-C-T.
Other names: c.*1095G>A (NM_001075098.4, NM_001358533.2, NM_001358534.2 and 1 more transcripts); c.*327G>A (NM_001358529.2, NM_001358531.2).
Identifiers: ClinVar variation 356636 (VCV000356636.6), dbSNP rs112129067, ClinGen allele CA3795767.